The following is an entry in ClinVar:

ClinVar aggregate classification (germline): Conflicting classifications of pathogenicity. Review status: criteria provided, conflicting classifications (1 of 4 stars). 4 submissions from 4 submitters: Uncertain significance (1); Benign (1); Likely benign (2). Last evaluated 2024-05-15.

Conditions:
Familial cancer of breast. Also called: BREAST CANCER, FAMILIAL; Hereditary breast cancer; hereditary breast carcinoma. Identifiers: Orphanet 227535, MedGen C0346153, MONDO:0016419, OMIM 114480. Disease mechanism: loss of function.
Ataxia-telangiectasia syndrome (AT). Also called: Ataxia-telangiectasia, complementation group E; Ataxia-telangiectasia, complementation group D; Ataxia telangiectasia (A-T); LOUIS-BAR SYNDROME; ATAXIA-TELANGIECTASIA, COMPLEMENTATION GROUP A; ATAXIA-TELANGIECTASIA, FRESNO VARIANT. Identifiers: Orphanet 100, MedGen C0004135, MONDO:0008840, OMIM 208900.
Hereditary cancer-predisposing syndrome. Also called: Neoplastic Syndromes, Hereditary; Hereditary Cancer Syndrome; Tumor predisposition; Hereditary neoplastic syndrome. Identifiers: Orphanet 140162, MedGen C0027672, MeSH D009386, MONDO:0015356.

Allele frequency attached by ClinVar (database versions not stated): gnomAD exomes below 0.00001.

Submissions (4):

Myriad Genetics, Inc.
Classification: Benign for Familial cancer of breast. Last evaluated: 2024-05-15. Review status: criteria provided, single submitter. Criteria: Myriad Autosomal Dominant, Autosomal Recessive and X-Linked Classification Criteria (2023). Collection method: clinical testing. Allele origin: unknown.
Comment: This variant is considered benign. This variant is a silent/synonymous amino acid change and it is not expected to impact splicing.

Ambry Genetics
Classification: Likely benign for Hereditary cancer-predisposing syndrome. Last evaluated: 2022-02-02. Review status: criteria provided, single submitter. Criteria: Ambry Variant Classification Scheme 2023. Collection method: clinical testing. Allele origin: germline.

Labcorp Genetics (formerly Invitae), Labcorp
Classification: Likely benign for Ataxia-telangiectasia syndrome. Last evaluated: 2021-09-26. Review status: criteria provided, single submitter. Criteria: Invitae Variant Classification Sherloc (09022015). Collection method: clinical testing. Allele origin: germline.

Sema4
Classification: Uncertain significance for Hereditary cancer-predisposing syndrome. Last evaluated: 2021-06-27. Review status: criteria provided, single submitter. Criteria: Sema4 Curation Guidelines. Collection method: curation. Allele origin: germline.
Comment: The ATM c.3691T>C (p.L1231=) variant has not been reported in the literature to our knowledge. It was observed in 1/112656 chromosomes of the Non-Finnish European subpopulation in the large and broad cohorts of the Genome Aggregation Database (PMID: 32461654). The variant has been reported in ClinVar (Variation ID 800114). In silico tools suggest that the affected nucleotide is conserved and the variant does not have an impact on splicing though these predictions have not been confirmed by functional studies. The evidence is insufficient to meet ACMG/AMP criteria for classifying the variant as benign or pathogenic. Thus, the clinical significance of this variant is currently uncertain.

NM_000051.4(ATM):c.3691T>C (p.Leu1231=)

Gene: ATM (ATM serine/threonine kinase; plus strand). Cytogenetic location: 11q22.3.
Variant type: single nucleotide variant.
Coding change: c.3691T>C on transcript NM_000051.4 (MANE Select); coding-DNA position 3691, T replaced by C.
Protein change: p.Leu1231=; no amino-acid change (leucine 1231 retained).
Molecular consequence: synonymous variant.
Genome position (GRCh38, 1-based): chr11:108,282,824, T>C. VCF-style: chr11-108282824-T-C. GRCh37 (hg19) VCF-style: chr11-108153551-T-C.
Other names: c.3691T>C, p.Leu1231= (NM_001351834.2).
Identifiers: ClinVar variation 800114 (VCV000800114.15), dbSNP rs1210990672, ClinGen allele CA476673312.